The following is an entry in ClinVar:

ClinVar aggregate classification (germline): Uncertain significance. Review status: criteria provided, multiple submitters, no conflicts (2 of 4 stars). 3 submissions from 3 submitters: Uncertain significance (3). Last evaluated 2026-06-05.

Conditions:
Mitochondrial complex II deficiency, nuclear type 1. Also called: SUCCINATE CoQ REDUCTASE DEFICIENCY. Identifiers: Orphanet 3208, MedGen C5700310, MONDO:0100294, OMIM 252011.
Pheochromocytoma/paraganglioma syndrome 5. Also called: Paragangliomas 5; SDHA-Related Hereditary Paraganglioma-Pheochromocytoma Syndrome. Identifiers: Orphanet 29072, MedGen C3279992, MONDO:0013602, OMIM 614165.
Hereditary cancer-predisposing syndrome. Also called: Hereditary Cancer Syndrome; Hereditary neoplastic syndrome; Neoplastic Syndromes, Hereditary; Tumor predisposition. Identifiers: Orphanet 140162, MedGen C0027672, MeSH D009386, MONDO:0015356.
Dilated cardiomyopathy 1GG (CMD1GG). Identifiers: Orphanet 154, MedGen C3150898, MONDO:0013339, OMIM 613642.

Allele frequency attached by ClinVar (database versions not stated): TOPMed below 0.00001; gnomAD exomes 0.00001 and 0.00002; ExAC 0.00003.
gnomAD v4.1: 15 of 1,613,010 alleles (0.00093%); highest among the groups gnomAD compares: Non-Finnish European, 0.0011%; no homozygotes.

Submissions (3):

Ambry Genetics
Classification: Uncertain significance for Hereditary cancer-predisposing syndrome. Last evaluated: 2026-06-05. Review status: criteria provided, single submitter. Criteria: Ambry Variant Classification Scheme 2023. Collection method: clinical testing. Allele origin: germline.
Comment: The p.P159L variant (also known as c.476C>T), located in coding exon 5 of the SDHA gene, results from a C to T substitution at nucleotide position 476. The proline at codon 159 is replaced by leucine, an amino acid with similar properties. This amino acid position is highly conserved in available vertebrate species. In addition, this alteration is predicted to be deleterious by in silico analysis. Based on the available evidence, the clinical significance of this variant remains unclear.

Labcorp Genetics (formerly Invitae), Labcorp
Classification: Uncertain significance for Pheochromocytoma/paraganglioma syndrome 5; Mitochondrial complex II deficiency, nuclear type 1. Last evaluated: 2026-01-13. Review status: criteria provided, single submitter. Criteria: Invitae Variant Classification Sherloc (09022015). Collection method: clinical testing. Allele origin: germline.
Comment: This sequence change replaces proline, which is neutral and non-polar, with leucine, which is neutral and non-polar, at codon 159 of the SDHA protein (p.Pro159Leu). This variant is present in population databases (rs759827541, gnomAD 0.004%). This variant has not been reported in the literature in individuals affected with SDHA-related conditions. ClinVar contains an entry for this variant (Variation ID: 232064). Invitae Evidence Modeling of protein sequence and biophysical properties (such as structural, functional, and spatial information, amino acid conservation, physicochemical variation, residue mobility, and thermodynamic stability) has been performed for this missense variant. However, the output from this modeling did not meet the statistical confidence thresholds required to predict the impact of this variant on SDHA protein function. In summary, the available evidence is currently insufficient to determine the role of this variant in disease. Therefore, it has been classified as a Variant of Uncertain Significance.

Baylor Genetics
Classification: Uncertain significance for Dilated cardiomyopathy 1GG. Last evaluated: 2023-09-09. Review status: criteria provided, single submitter. Criteria: ACMG Guidelines, 2015. Collection method: clinical testing. Allele origin: unknown.

NM_004168.4(SDHA):c.476C>T (p.Pro159Leu)

Gene: SDHA (succinate dehydrogenase complex flavoprotein subunit A; plus strand). Cytogenetic location: 5p15.33.
Variant type: single nucleotide variant.
Coding change: c.476C>T on transcript NM_004168.4 (MANE Select); coding-DNA position 476, C replaced by T.
Protein change: p.Pro159Leu; replaces proline 159 with leucine.
Molecular consequence: missense variant.
Genome position (GRCh38, 1-based): chr5:225,902, C>T. VCF-style: chr5-225902-C-T. GRCh37 (hg19) VCF-style: chr5-226017-C-T.
Other names: c.332C>T, p.Pro111Leu (NM_001294332.2); c.476C>T, p.Pro159Leu (NM_001330758.2); short protein forms P159L, P111L.
Identifiers: ClinVar variation 232064 (VCV000232064.17), dbSNP rs759827541, ClinGen allele CA3172858.
Genomic context (GRCh38, chr5:225,902, plus strand): 5'-TTTAAGGTGTTAAGGTTTTTGTTTGTTTTTATCTTTCACAGCTAGAAAATTATGGCATGC[C>T]GTTTAGCAGAACTGAAGATGGGAAGATTTATCAGCGTGCATTTGGTGGACAGAGCCTCAA-3'
Protein context (NP_004159.2, residues 149-169): AVVELENYGM[Pro159Leu]FSRTEDGKIY